The following is an entry in ClinVar:

NM_001370259.2(MEN1):c.1361A>T (p.Lys454Met)

Gene: MEN1 (menin 1; minus strand). Cytogenetic location: 11q13.1.
Variant type: single nucleotide variant.
Coding change: c.1361A>T on transcript NM_001370259.2 (MANE Select); coding-DNA position 1361, A replaced by T.
Protein change: p.Lys454Met; replaces lysine 454 with methionine.
Molecular consequence: missense variant.
Genome position (GRCh38, 1-based): chr11:64,804,806, T>A on the plus strand (A>T on the coding strand, the complement: MEN1 is on the minus strand). VCF-style: chr11-64804806-T-A. GRCh37 (hg19) VCF-style: chr11-64572278-T-A.
Other names: c.1376A>T, p.Lys459Met (NM_000244.4, NM_001407145.1, NM_130800.3 and 4 more transcripts); c.1487A>T, p.Lys496Met (NM_001370251.2, NM_001407142.1, NM_001407143.1 and 1 more transcripts); c.1361A>T, p.Lys454Met (NM_001370260.2, NM_001370261.2, NM_001407146.1 and 2 more transcripts); c.1256A>T, p.Lys419Met (NM_001370262.2, NM_001370263.2, NM_001407148.1 and 1 more transcripts); c.1502A>T, p.Lys501Met (NM_001407150.1); c.1382A>T, p.Lys461Met (NM_001407151.1); c.1196A>T, p.Lys399Met (NM_001407152.1); short protein forms K454M, K459M, K496M, K501M, K461M, K399M, K419M.
Identifiers: ClinVar variation 1770841 (VCV001770841.3), dbSNP rs2497132294, ClinGen allele CA381179898.

ClinVar aggregate classification (germline): Uncertain significance (1 of 4 stars; one submission).

Conditions:
Hereditary cancer-predisposing syndrome. Also called: Hereditary Cancer Syndrome; Hereditary neoplastic syndrome; Neoplastic Syndromes, Hereditary; Tumor predisposition. Identifiers: Orphanet 140162, MedGen C0027672, MeSH D009386, MONDO:0015356.

Submission:

Ambry Genetics
Classification: Uncertain significance for Hereditary cancer-predisposing syndrome. Last evaluated: 2024-04-11. Review status: criteria provided, single submitter. Criteria: Ambry Variant Classification Scheme 2023. Collection method: clinical testing. Allele origin: germline.
Comment: The p.K454M variant (also known as c.1361A>T), located in coding exon 9 of the MEN1 gene, results from an A to T substitution at nucleotide position 1361. The lysine at codon 454 is replaced by methionine, an amino acid with similar properties. This amino acid position is conserved. In addition, this alteration is predicted to be deleterious by in silico analysis. Since supporting evidence is limited at this time, the clinical significance of this alteration remains unclear.